The following is an entry in ClinVar:

ClinVar aggregate classification (germline): Uncertain significance (1 of 4 stars; one submission).

Conditions:
Catecholaminergic polymorphic ventricular tachycardia 1. Also called: VENTRICULAR TACHYCARDIA, CATECHOLAMINERGIC POLYMORPHIC, 1, WITH OR WITHOUT ATRIAL DYSFUNCTION AND/OR DILATED CARDIOMYOPATHY; RYR2-Related Catecholaminergic Polymorphic Ventricular Tachycardia; VENTRICULAR TACHYCARDIA, STRESS-INDUCED POLYMORPHIC 1. Identifiers: Orphanet 3286, MedGen C1631597, MONDO:0011484, OMIM 604772.

Allele frequency attached by ClinVar (database versions not stated): gnomAD exomes below 0.00001.
gnomAD v4.1: 1 of 1,613,964 alleles (0.000062%); highest among the groups gnomAD compares: Non-Finnish European, 0.000085%; no homozygotes.

Submission:

Labcorp Genetics (formerly Invitae), Labcorp
Classification: Uncertain significance for Catecholaminergic polymorphic ventricular tachycardia 1. Last evaluated: 2023-08-17. Review status: criteria provided, single submitter. Criteria: Invitae Variant Classification Sherloc (09022015). Collection method: clinical testing. Allele origin: germline.
Comment: This sequence change replaces aspartic acid, which is acidic and polar, with glycine, which is neutral and non-polar, at codon 1871 of the RYR2 protein (p.Asp1871Gly). The frequency data for this variant in the population databases is considered unreliable, as metrics indicate poor data quality at this position in the gnomAD database. This variant has not been reported in the literature in individuals affected with RYR2-related conditions. ClinVar contains an entry for this variant (Variation ID: 1058108). Advanced modeling of protein sequence and biophysical properties (such as structural, functional, and spatial information, amino acid conservation, physicochemical variation, residue mobility, and thermodynamic stability) performed at Invitae indicates that this missense variant is not expected to disrupt RYR2 protein function. In summary, the available evidence is currently insufficient to determine the role of this variant in disease. Therefore, it has been classified as a Variant of Uncertain Significance.

NM_001035.3(RYR2):c.5612A>G (p.Asp1871Gly)

Gene: RYR2 (ryanodine receptor 2; plus strand). Cytogenetic location: 1q43.
Variant type: single nucleotide variant.
Coding change: c.5612A>G on transcript NM_001035.3 (MANE Select); coding-DNA position 5612, A replaced by G.
Protein change: p.Asp1871Gly; replaces aspartic acid 1871 with glycine.
Molecular consequence: missense variant.
Genome position (GRCh38, 1-based): chr1:237,614,740, A>G. VCF-style: chr1-237614740-A-G. GRCh37 (hg19) VCF-style: chr1-237778040-A-G.
Other names: short protein forms D1871G.
Identifiers: ClinVar variation 1058108 (VCV001058108.9), dbSNP rs895322404, ClinGen allele CA39828694.